The following is an entry in ClinVar:

ClinVar aggregate classification (germline): Pathogenic/Likely pathogenic. Review status: criteria provided, multiple submitters, no conflicts (2 of 4 stars). 4 submissions from 4 submitters: Pathogenic (1); Likely pathogenic (1). 2 of the submissions do not count toward it. Last evaluated 2023-12-01.

Conditions:
Intellectual developmental disorder, autosomal dominant 41. Also called: Intellectual disability, autosomal dominant 41. Identifiers: Orphanet 2823, MedGen C4310784, MONDO:0014842, OMIM 616944.
Pierpont syndrome (PRPTS). Identifiers: Orphanet 487825, MedGen C1865644, MONDO:0011213, OMIM 602342.

Submissions (4):

GeneDx
Classification: Pathogenic. Last evaluated: 2023-12-01. Review status: criteria provided, single submitter. Criteria: GeneDx Variant Classification Process June 2021. Collection method: clinical testing. Allele origin: germline. Affected: yes.
Comment: Not observed at significant frequency in large population cohorts (gnomAD); In silico analysis supports that this missense variant has a deleterious effect on protein structure/function; This variant is associated with the following publications: (PMID: 37683765, 31298310, 30365874, 36691917, 36843287, 33527360, 32449767, 32034290)

Equipe Genetique des Anomalies du Developpement, Université de Bourgogne
Classification: Likely pathogenic for Intellectual developmental disorder, autosomal dominant 41. Last evaluated: 2016-12-08. Review status: criteria provided, single submitter. Criteria: ACMG Guidelines, 2015. Collection method: clinical testing. Allele origin: de novo. Affected: yes. Observed: 1 heterozygote.

OMIM
Classification: Pathogenic for PIERPONT SYNDROME. Last evaluated: 2019-05-13. Review status: no assertion criteria provided. Collection method: literature only. Allele origin: germline. Not counted in ClinVar's aggregate classification.

Baylor Genetics
Classification: Uncertain significance for Intellectual developmental disorder, autosomal dominant 41. Last evaluated: 2020-05-05. Review status: flagged submission. Criteria: ACMG Guidelines, 2015. Collection method: clinical testing. Allele origin: unknown. Affected: yes. Not counted in ClinVar's aggregate classification.
Comment: This variant was determined to be of uncertain significance according to ACMG Guidelines, 2015 [PMID:25741868].
ClinVar note: Reason: Outlier claim with insufficient supporting evidence

Literature cited by the submitters: PubMed 30365874 (cited by OMIM).

NM_024665.7(TBL1XR1):c.974G>A (p.Cys325Tyr)

Genes: TBL1XR1 (TBL1X/Y related 1; minus strand), TBL1XR1-AS1 (TBL1XR1 antisense RNA 1; plus strand), LOC126806878 (CDK7 strongly-dependent group 2 enhancer GRCh37_chr3:176755168-176756367; plus strand). Cytogenetic location: 3q26.32.
Variant type: single nucleotide variant.
Coding change: c.974G>A on transcript NM_024665.7 (MANE Select); coding-DNA position 974, G replaced by A.
Protein change: p.Cys325Tyr; replaces cysteine 325 with tyrosine.
Molecular consequence: missense variant.
Genome position (GRCh38, 1-based): chr3:177,038,386, C>T on the plus strand (G>A on the coding strand, the complement: TBL1XR1 is on the minus strand). VCF-style: chr3-177038386-C-T. GRCh37 (hg19) VCF-style: chr3-176756174-C-T.
Other names: c.974G>A, p.Cys325Tyr (NM_001321193.3, NM_001321194.3, NM_001374327.1 and 2 more transcripts); c.713G>A, p.Cys238Tyr (NM_001321195.3, NM_001374330.1); short protein forms C325Y, C238Y.
Identifiers: ClinVar variation 545441 (VCV000545441.6), dbSNP rs1553810255, ClinGen allele CA355555398.
Genomic context (GRCh38, chr3:177,038,386, plus strand): 5'-AATGTTTTAATAGGTCTGTCTTGTCCTAATTTACAGACATGAATGCACATATCTGTACTA[C>T]AAGAAGCAAAGGTGTTGTTGCTCTGCCAATCAACATCCAATGCTGGTGCTGCAAAGGAAC-3'
Protein context (NP_078941.2, residues 315-335): DWQSNNTFAS[Cys325Tyr]STDMCIHVCK